The following is an entry in ClinVar:

NM_000384.3(APOB):c.4850G>A (p.Gly1617Glu)

Gene: APOB (apolipoprotein B; minus strand). Cytogenetic location: 2p24.1.
Variant type: single nucleotide variant.
Coding change: c.4850G>A on transcript NM_000384.3 (MANE Select); coding-DNA position 4850, G replaced by A.
Protein change: p.Gly1617Glu; replaces glycine 1617 with glutamic acid.
Molecular consequence: missense variant.
Genome position (GRCh38, 1-based): chr2:21,012,018, C>T on the plus strand (G>A on the coding strand, the complement: APOB is on the minus strand). VCF-style: chr2-21012018-C-T. GRCh37 (hg19) VCF-style: chr2-21234890-C-T.
Other names: short protein forms G1617E.
Identifiers: ClinVar variation 653082 (VCV000653082.20), dbSNP rs146341569, ClinGen allele CA061324.

ClinVar aggregate classification (germline): Conflicting classifications of pathogenicity. Review status: criteria provided, conflicting classifications (1 of 4 stars). 3 submissions from 3 submitters: Uncertain significance (2); Likely benign (1). Last evaluated 2025-04-10.

Conditions:
Cardiovascular phenotype. Identifiers: MedGen CN230736.
Familial hypobetalipoproteinemia 1. Also called: Hypobetalipoproteinemia, normotriglyceridemic; Acanthocytosis with hypobetalipoproteinemia; APOB-Related Familial Hypobetalipoproteinemia. Identifiers: MedGen C4551990, MONDO:0014252, OMIM 615558.
Hypercholesterolemia, autosomal dominant, type B (FHCL2). Also called: Familial Hypercholesterolemia Type B; APOLIPOPROTEIN B-100, FAMILIAL DEFECTIVE; APOLIPOPROTEIN B-100, FAMILIAL LIGAND-DEFECTIVE; HYPERCHOLESTEROLEMIA, FAMILIAL, DUE TO LIGAND-DEFECTIVE APOLIPOPROTEIN B; Familial hypercholesterolemia 2; APOB-Related Familial Hypercholesterolemia, Autosomal Dominant. Identifiers: MedGen C1704417, MONDO:0007751, OMIM 144010.

Allele frequency attached by ClinVar (database versions not stated): gnomAD 0.00002; gnomAD exomes 0.00002 and 0.00004; TOPMed 0.00003; ExAC 0.00005; ESP Exome Variant Server 0.00008.
gnomAD v4.1: 39 of 1,614,026 alleles (0.0024%); highest among the groups gnomAD compares: South Asian, 0.0066%; no homozygotes.

Submissions (3):

Labcorp Genetics (formerly Invitae), Labcorp
Classification: Likely benign for Familial hypobetalipoproteinemia 1; Hypercholesterolemia, autosomal dominant, type B. Last evaluated: 2025-04-10. Review status: criteria provided, single submitter. Criteria: Invitae Variant Classification Sherloc (09022015). Collection method: clinical testing. Allele origin: germline.

Ambry Genetics
Classification: Uncertain significance for Cardiovascular phenotype. Last evaluated: 2024-08-09. Review status: criteria provided, single submitter. Criteria: Ambry Variant Classification Scheme 2023. Collection method: clinical testing. Allele origin: germline.
Comment: The p.G1617E variant (also known as c.4850G>A), located in coding exon 26 of the APOB gene, results from a G to A substitution at nucleotide position 4850. The glycine at codon 1617 is replaced by glutamic acid, an amino acid with similar properties. This alteration was seen in one subject with hypertriglyceridemia and was also observed in one control from the same study (Johansen CT et al. Nat. Genet., 2010 Aug;42:684-7). This amino acid position is highly conserved in available vertebrate species. In addition, the in silico prediction for this alteration is inconclusive. Since supporting evidence is limited at this time, the clinical significance of this alteration remains unclear.

Fulgent Genetics
Classification: Uncertain significance for Hypercholesterolemia, autosomal dominant, type B; Familial hypobetalipoproteinemia 1. Last evaluated: 2021-09-14. Review status: criteria provided, single submitter. Criteria: ACMG Guidelines, 2015. Collection method: clinical testing. Allele origin: unknown.

Literature cited by the submitters: PubMed 20657596 (cited by Ambry Genetics); PubMed 36973604 (cited by Ambry Genetics).